The following is an entry in ClinVar:

ClinVar aggregate classification (germline): Conflicting classifications of pathogenicity. Review status: criteria provided, conflicting classifications (1 of 4 stars). 6 submissions from 6 submitters: Uncertain significance (3); Likely benign (1). 2 of the submissions do not count toward it. Last evaluated 2025-12-17.

Conditions:
Bloom syndrome (BLM). Also called: Bloom-Torre-Machacek syndrome. Identifiers: Orphanet 125, MedGen C0005859, MONDO:0008876, OMIM 210900.
Hereditary cancer-predisposing syndrome. Also called: Tumor predisposition; Hereditary Cancer Syndrome; Neoplastic Syndromes, Hereditary; Hereditary neoplastic syndrome. Identifiers: Orphanet 140162, MedGen C0027672, MeSH D009386, MONDO:0015356.
BLM-related disorder. Also called: BLM-related condition.

Allele frequency attached by ClinVar (database versions not stated): gnomAD 0.00001; gnomAD exomes 0.00001; TOPMed 0.00001.
gnomAD v4.1: 21 of 1,614,082 alleles (0.0013%); highest among the groups gnomAD compares: Non-Finnish European, 0.0017%; no homozygotes.

Submissions (6):

Labcorp Genetics (formerly Invitae), Labcorp
Classification: Uncertain significance for Bloom syndrome. Last evaluated: 2025-12-17. Review status: criteria provided, single submitter. Criteria: Invitae Variant Classification Sherloc (09022015). Collection method: clinical testing. Allele origin: germline.
Comment: This sequence change replaces aspartic acid, which is acidic and polar, with glycine, which is neutral and non-polar, at codon 110 of the BLM protein (p.Asp110Gly). This variant is not present in population databases (gnomAD no frequency). This variant has not been reported in the literature in individuals affected with BLM-related conditions. ClinVar contains an entry for this variant (Variation ID: 823490). An algorithm developed to predict the effect of missense changes on protein structure and function outputs the following: PolyPhen-2: "Benign". The glycine amino acid residue is found in multiple mammalian species, which suggests that this missense change does not adversely affect protein function. In summary, the available evidence is currently insufficient to determine the role of this variant in disease. Therefore, it has been classified as a Variant of Uncertain Significance.

Quest Diagnostics Nichols Institute San Juan Capistrano
Classification: Uncertain significance. Last evaluated: 2025-02-01. Review status: criteria provided, single submitter. Criteria: Quest Diagnostics criteria. Collection method: clinical testing. Allele origin: unknown.
Comment: The BLM c.329A>G (p.Asp110Gly) variant has not been reported in individuals with BLM-related conditions in the published literature. The frequency of this variant in the general population (Genome Aggregation Database) is uninformative in the assessment of its pathogenicity. Analysis of this variant using bioinformatics tools for the prediction of the effect of amino acid changes on protein structure and function yielded predictions that this variant is benign. Based on the available information, we are unable to determine the clinical significance of this variant.

GeneDx
Classification: Uncertain significance. Last evaluated: 2024-02-28. Review status: criteria provided, single submitter. Criteria: GeneDx Variant Classification Process June 2021. Collection method: clinical testing. Allele origin: germline. Affected: yes.
Comment: Not observed at significant frequency in large population cohorts (gnomAD); In silico analysis supports that this missense variant does not alter protein structure/function; Has not been previously published as pathogenic or benign to our knowledge

Ambry Genetics
Classification: Likely benign for Hereditary cancer-predisposing syndrome. Last evaluated: 2023-10-26. Review status: criteria provided, single submitter. Criteria: Ambry Variant Classification Scheme 2023. Collection method: clinical testing. Allele origin: germline.

PreventionGenetics, part of Exact Sciences
Classification: Uncertain significance for BLM-related condition. Last evaluated: 2024-03-24. Review status: no assertion criteria provided. Collection method: clinical testing. Allele origin: germline. Not counted in ClinVar's aggregate classification.
Comment: The BLM c.329A>G variant is predicted to result in the amino acid substitution p.Asp110Gly. To our knowledge, this variant has not been reported in the literature or in a large population database, indicating this variant is rare. At this time, the clinical significance of this variant is uncertain due to the absence of conclusive functional and genetic evidence.

Natera, Inc.
Classification: Uncertain significance for Bloom syndrome. Last evaluated: 2020-09-28. Review status: no assertion criteria provided. Collection method: clinical testing. Allele origin: germline. Not counted in ClinVar's aggregate classification.

NM_000057.4(BLM):c.329A>G (p.Asp110Gly)

Gene: BLM (BLM RecQ like helicase; plus strand). Cytogenetic location: 15q26.1.
Variant type: single nucleotide variant.
Coding change: c.329A>G on transcript NM_000057.4 (MANE Select); coding-DNA position 329, A replaced by G.
Protein change: p.Asp110Gly; replaces aspartic acid 110 with glycine.
Molecular consequence: missense variant. On other transcripts: 5 prime UTR variant (1).
Genome position (GRCh38, 1-based): chr15:90,749,597, A>G. VCF-style: chr15-90749597-A-G. GRCh37 (hg19) VCF-style: chr15-91292827-A-G.
Other names: c.329A>G, p.Asp110Gly (NM_001287246.2, NM_001287247.2); c.-963A>G (NM_001287248.2); c.329A>G (NM_000057.3); short protein forms D110G.
Identifiers: ClinVar variation 823490 (VCV000823490.17), dbSNP rs1292239409, ClinGen allele CA393840298.